The following is an entry in ClinVar:

ClinVar aggregate classification (germline): Pathogenic. Review status: criteria provided, multiple submitters, no conflicts (2 of 4 stars). 3 submissions from 3 submitters: Pathogenic (2). 1 of the submissions does not count toward it. Last evaluated 2024-02-01.

Conditions:
GRACILE syndrome (FLNMS). Also called: FELLMAN SYNDROME; FINNISH LETHAL NEONATAL METABOLIC SYNDROME. Identifiers: Orphanet 53693, MedGen C1864002, MONDO:0011308, OMIM 603358.
Mitochondrial complex III deficiency nuclear type 1. Identifiers: Orphanet 254902, MedGen C3541471, MONDO:0007415, OMIM 124000.

Allele frequency attached by ClinVar (database versions not stated): gnomAD exomes below 0.00001; TOPMed below 0.00001; gnomAD 0.00001.

Submissions (3):

Laboratory of Medical Genetics, National & Kapodistrian University of Athens
Classification: Pathogenic for Mitochondrial complex III deficiency nuclear type 1. Last evaluated: 2024-02-01. Review status: criteria provided, single submitter. Criteria: ACMG Guidelines, 2015. Collection method: curation. Allele origin: germline. Affected: no.

Labcorp Genetics (formerly Invitae), Labcorp
Classification: Pathogenic. Last evaluated: 2020-09-29. Review status: criteria provided, single submitter. Criteria: Invitae Variant Classification Sherloc (09022015). Collection method: clinical testing. Allele origin: germline.
Comment: Loss-of-function variants in BCS1L are known to be pathogenic (PMID: 17314340, 25895478). This sequence change creates a premature translational stop signal (p.Arg203Lysfs*9) in the BCS1L gene. It is expected to result in an absent or disrupted protein product. This variant is not present in population databases (ExAC no frequency). This variant has not been reported in the literature in individuals with BCS1L-related conditions. ClinVar contains an entry for this variant (Variation ID: 370128). For these reasons, this variant has been classified as Pathogenic.

Counsyl
Classification: Likely pathogenic for GRACILE syndrome. Last evaluated: 2015-11-24. Review status: no assertion criteria provided. Collection method: clinical testing. Allele origin: unknown. Not counted in ClinVar's aggregate classification.

Literature cited by the submitters: PubMed 17314340 (cited by Labcorp Genetics (formerly Invitae), Labcorp); PubMed 25895478 (cited by Labcorp Genetics (formerly Invitae), Labcorp).

NM_001079866.2(BCS1L):c.607dup (p.Arg203fs)

Gene: BCS1L (BCS1 ubiquinol-cytochrome c reductase complex chaperone; plus strand). Cytogenetic location: 2q35.
Variant type: Duplication.
Coding change: c.607dup on transcript NM_001079866.2 (MANE Select); coding-DNA position 607, one base duplicated (A; older notation c.607dupA).
Protein change: p.Arg203fs; shifts the reading frame from arginine 203.
Molecular consequence: frameshift variant. On other transcripts: non-coding transcript variant (1).
Genome position (GRCh38, 1-based): chr2:218,661,905, A duplicated. VCF-style (leftmost placement, unchanged base first): chr2-218661904-C-CA. GRCh37 (hg19) VCF-style: chr2-219526627-C-CA.
Other names: c.607dup, p.Arg203fs (NM_001257342.2, NM_001257343.2, NM_001257344.2 and 10 more transcripts); c.247dup, p.Arg83fs (NM_001318836.2, NM_001371451.1); c.106dup, p.Arg36fs (NM_001371452.1, NM_001371453.1, NM_001371454.1 and 3 more transcripts); c.607dupA (NM_004328.4); short protein forms R83fs, R203fs, R36fs.
Identifiers: ClinVar variation 370128 (VCV000370128.11), dbSNP rs1057516255, ClinGen allele CA16040862.
Genomic context (GRCh38, chr2:218,661,904, plus strand): 5'-ACGCCGCCGGCGACCACTGAATTCTGTGGTTCTACAACAGGGTCTGGCTGACCGAATTGT[C>CA]AGAGACGTCCAGGAATTCATCGATAACCCCAAGTGGTACACTGACAGAGGTGAGAAGCAG-3'